The following is an entry in ClinVar:

NM_000059.4(BRCA2):c.1980T>C (p.Thr660=)

Gene: BRCA2 (BRCA2 DNA repair associated; plus strand). Cytogenetic location: 13q13.1.
Variant type: single nucleotide variant.
Coding change: c.1980T>C on transcript NM_000059.4 (MANE Select); coding-DNA position 1980, T replaced by C.
Protein change: p.Thr660=; no amino-acid change (threonine 660 retained).
Molecular consequence: synonymous variant.
Genome position (GRCh38, 1-based): chr13:32,336,335, T>C. VCF-style: chr13-32336335-T-C. GRCh37 (hg19) VCF-style: chr13-32910472-T-C.
Identifiers: ClinVar variation 427488 (VCV000427488.5), dbSNP rs763714374, ClinGen allele CA6940572.

ClinVar aggregate classification (germline): Likely benign. Review status: reviewed by expert panel (3 of 4 stars). 3 submissions from 3 submitters: Likely benign (1). 2 of the submissions do not count toward it. Last evaluated 2017-06-29.

Conditions:
Hereditary cancer-predisposing syndrome. Also called: Hereditary neoplastic syndrome; Hereditary Cancer Syndrome; Neoplastic Syndromes, Hereditary; Tumor predisposition. Identifiers: Orphanet 140162, MedGen C0027672, MeSH D009386, MONDO:0015356.
Breast-ovarian cancer, familial, susceptibility to, 2 (BROVCA2). Also called: BRCA2 Hereditary Breast and Ovarian Cancer. Identifiers: Orphanet 145, MedGen C2675520, MONDO:0012933, OMIM 612555. Disease mechanism: loss of function.

Allele frequency attached by ClinVar (database versions not stated): gnomAD exomes below 0.00001; ExAC 0.00001.
gnomAD v4.1: 1 of 1,605,478 alleles (0.000062%); highest among the groups gnomAD compares: Non-Finnish European, 0.000085%; no homozygotes.

Submissions (3):

Evidence-based Network for the Interpretation of Germline Mutant Alleles (ENIGMA)
Classification: Likely benign for Breast-ovarian cancer, familial, susceptibility to, 2. Last evaluated: 2017-06-29. Review status: reviewed by expert panel. Criteria: ENIGMA BRCA1/2 Classification Criteria (2017-06-29). Collection method: curation. Allele origin: germline.
Comment: Synonymous substitution variant, with low bioinformatic likelihood to result in a splicing aberration (Splicing prior probability 0.02).

Color Diagnostics, LLC DBA Color Health
Classification: Likely benign for Hereditary cancer-predisposing syndrome. Last evaluated: 2025-09-18. Review status: criteria provided, single submitter. Criteria: ACMG Guidelines, 2015. Collection method: clinical testing. Allele origin: germline. Not counted in ClinVar's aggregate classification.

Sema4
Classification: Likely benign for Hereditary cancer-predisposing syndrome. Last evaluated: 2020-09-16. Review status: criteria provided, single submitter. Criteria: Sema4 Curation Guidelines. Collection method: curation. Allele origin: germline. Not counted in ClinVar's aggregate classification.